The following is an entry in ClinVar:

NM_000051.4(ATM):c.1608-1G>C

Gene: ATM (ATM serine/threonine kinase; plus strand). Cytogenetic location: 11q22.3.
Variant type: single nucleotide variant.
Coding change: c.1608-1G>C on transcript NM_000051.4 (MANE Select); the canonical splice acceptor site of the intron before coding-DNA position 1608, G replaced by C.
Molecular consequence: splice acceptor variant.
Genome position (GRCh38, 1-based): chr11:108,251,836, G>C. VCF-style: chr11-108251836-G-C. GRCh37 (hg19) VCF-style: chr11-108122563-G-C.
Other names: c.1608-1G>C (NM_001351834.2).
Identifiers: ClinVar variation 570236 (VCV000570236.7), dbSNP rs1565385010, ClinGen allele CA382534466.

ClinVar aggregate classification (germline): Likely pathogenic (1 of 4 stars; one submission).

Conditions:
Ataxia-telangiectasia syndrome (AT). Also called: AT, COMPLEMENTATION GROUP C; Cerebello-oculocutaneous telangiectasia; Immunodeficiency with ataxia telangiectasia; Ataxia-telangiectasia, complementation group D; ATAXIA-TELANGIECTASIA, FRESNO VARIANT; Ataxia-telangiectasia, complementation group E. Identifiers: Orphanet 100, MedGen C0004135, MONDO:0008840, OMIM 208900.

Submission:

Labcorp Genetics (formerly Invitae), Labcorp
Classification: Likely pathogenic for Ataxia-telangiectasia syndrome. Last evaluated: 2018-04-08. Review status: criteria provided, single submitter. Criteria: Invitae Variant Classification Sherloc (09022015). Collection method: clinical testing. Allele origin: germline.
Comment: Donor and acceptor splice site variants typically lead to a loss of protein function (PMID: 16199547), and loss-of-function variants in ATM are known to be pathogenic (PMID: 23807571, 25614872). In summary, the currently available evidence indicates that the variant is pathogenic, but additional data are needed to prove that conclusively. Therefore, this variant has been classified as Likely Pathogenic. Algorithms developed to predict the effect of sequence changes on RNA splicing suggest that this variant may disrupt the consensus splice site, but this prediction has not been confirmed by published transcriptional studies. This variant has not been reported in the literature in individuals with ATM-related disease. This variant is not present in population databases (ExAC no frequency). This sequence change affects an acceptor splice site in intron 10 of the ATM gene. It is expected to disrupt RNA splicing and likely results in an absent or disrupted protein product.

Literature cited by the submitters: PubMed 16199547; PubMed 23807571; PubMed 25614872.